The following is an entry in ClinVar:

ClinVar aggregate classification (germline): Benign. Review status: criteria provided, multiple submitters, no conflicts (2 of 4 stars). 2 submissions from 2 submitters: Benign (2). Last evaluated 2018-06-16.

Allele frequency attached by ClinVar (database versions not stated): 1000 Genomes Project 30x 0.02311; 1000 Genomes Project 0.02396; TOPMed 0.04328; gnomAD 0.05105 and 0.05292.
gnomAD v4.1: 7,760 of 152,120 alleles (5.1%); highest among the groups gnomAD compares: Non-Finnish European, 7.4%; 313 homozygotes.

Submissions (2):

GeneDx
Classification: Benign. Last evaluated: 2018-06-16. Review status: criteria provided, single submitter. Criteria: GeneDx Variant Classification (06012015). Collection method: clinical testing. Allele origin: germline. Affected: yes.
Comment: This variant is considered likely benign or benign based on one or more of the following criteria: it is a conservative change, it occurs at a poorly conserved position in the protein, it is predicted to be benign by multiple in silico algorithms, and/or has population frequency not consistent with disease.

Breakthrough Genomics
Classification: Benign. Review status: criteria provided, single submitter. Criteria: ACMG Guidelines, 2015. Collection method: not provided. Allele origin: germline. Inheritance: Autosomal dominant inheritance. Affected: yes.

NM_004519.4(KCNQ3):c.605-302C>T

Gene: KCNQ3 (potassium voltage-gated channel subfamily Q member 3; minus strand). Cytogenetic location: 8q24.22.
Variant type: single nucleotide variant.
Coding change: c.605-302C>T on transcript NM_004519.4 (MANE Select); 302 bases into the intron before coding-DNA position 605, C replaced by T.
Molecular consequence: intron variant.
Genome position (GRCh38, 1-based): chr8:132,180,631, G>A on the plus strand (C>T on the coding strand, the complement: KCNQ3 is on the minus strand). VCF-style: chr8-132180631-G-A. GRCh37 (hg19) VCF-style: chr8-133192878-G-A.
Other names: c.245-302C>T (NM_001204824.2).
Identifiers: ClinVar variation 669476 (VCV000669476.2), dbSNP rs76474027, ClinGen allele CA15580588.